The following is an entry in ClinVar:

ClinVar aggregate classification (germline): Uncertain significance (1 of 4 stars; one submission).

Allele frequency attached by ClinVar (database versions not stated): gnomAD exomes 0.00001; TOPMed 0.00001.
gnomAD v4.1: 21 of 1,614,134 alleles (0.0013%); highest among the groups gnomAD compares: South Asian, 0.0022%; no homozygotes.

Submission:

Labcorp Genetics (formerly Invitae), Labcorp
Classification: Uncertain significance. Last evaluated: 2024-01-02. Review status: criteria provided, single submitter. Criteria: Invitae Variant Classification Sherloc (09022015). Collection method: clinical testing. Allele origin: germline.
Comment: This sequence change replaces threonine, which is neutral and polar, with alanine, which is neutral and non-polar, at codon 291 of the TAB2 protein (p.Thr291Ala). This variant is not present in population databases (gnomAD no frequency). This variant has not been reported in the literature in individuals affected with TAB2-related conditions. Advanced modeling of protein sequence and biophysical properties (such as structural, functional, and spatial information, amino acid conservation, physicochemical variation, residue mobility, and thermodynamic stability) performed at Invitae indicates that this missense variant is not expected to disrupt TAB2 protein function with a negative predictive value of 80%. In summary, the available evidence is currently insufficient to determine the role of this variant in disease. Therefore, it has been classified as a Variant of Uncertain Significance.

NM_001292034.3(TAB2):c.871A>G (p.Thr291Ala)

Genes: TAB2 (TGF-beta activated kinase 1 (MAP3K7) binding protein 2; plus strand), LOC126859827 (BRD4-independent group 4 enhancer GRCh37_chr6:149699707-149700906; plus strand). Cytogenetic location: 6q25.1.
Variant type: single nucleotide variant.
Coding change: c.871A>G on transcript NM_001292034.3 (MANE Select); coding-DNA position 871, A replaced by G.
Protein change: p.Thr291Ala; replaces threonine 291 with alanine.
Molecular consequence: missense variant.
Genome position (GRCh38, 1-based): chr6:149,378,786, A>G. VCF-style: chr6-149378786-A-G. GRCh37 (hg19) VCF-style: chr6-149699922-A-G.
Other names: c.775A>G, p.Thr259Ala (NM_001292035.3); c.871A>G, p.Thr291Ala (NM_001369506.1, NM_015093.6); short protein forms T291A, T259A.
Identifiers: ClinVar variation 2976664 (VCV002976664.3), dbSNP rs1265389330, ClinGen allele CA365997410.